The following is an entry in ClinVar:

ClinVar aggregate classification (germline): Uncertain significance (1 of 4 stars; one submission).

Submission:

Labcorp Genetics (formerly Invitae), Labcorp
Classification: Uncertain significance. Last evaluated: 2025-11-24. Review status: criteria provided, single submitter. Criteria: Invitae Variant Classification Sherloc (09022015). Collection method: clinical testing. Allele origin: germline.
Comment: This sequence change replaces glycine, which is neutral and non-polar, with alanine, which is neutral and non-polar, at codon 47 of the DNM1L protein (p.Gly47Ala). This variant is not present in population databases (gnomAD no frequency). This variant has not been reported in the literature in individuals affected with DNM1L-related conditions. ClinVar contains an entry for this variant (Variation ID: 3722340). An algorithm developed to predict the effect of missense changes on protein structure and function (PolyPhen-2) suggests that this variant is likely to be disruptive. In summary, the available evidence is currently insufficient to determine the role of this variant in disease. Therefore, it has been classified as a Variant of Uncertain Significance.

NM_012062.5(DNM1L):c.140G>C (p.Gly47Ala)

Gene: DNM1L (dynamin 1 like; plus strand). Cytogenetic location: 12p11.21.
Variant type: single nucleotide variant.
Coding change: c.140G>C on transcript NM_012062.5 (MANE Select); coding-DNA position 140, G replaced by C.
Protein change: p.Gly47Ala; replaces glycine 47 with alanine.
Molecular consequence: missense variant. On other transcripts: 5 prime UTR variant (1).
Genome position (GRCh38, 1-based): chr12:32,701,452, G>C. VCF-style: chr12-32701452-G-C. GRCh37 (hg19) VCF-style: chr12-32854386-G-C.
Other names: c.140G>C, p.Gly47Ala (NM_001278463.2, NM_001278464.2, NM_001278465.2 and 3 more transcripts); c.-66G>C (NM_001278466.2); short protein forms G47A.
Identifiers: ClinVar variation 3722340 (VCV003722340.2).
Genomic context (GRCh38, chr12:32,701,452, plus strand): 5'-TCTTGTATATATTCTGTTTTCAGAGCAGCGGAAAGAGCTCAGTGCTAGAAAGCCTGGTGG[G>C]GAGGGACCTGCTTCCCAGAGGTACTGGAATTGTCACCCGGAGACCTCTCATTCTGCAACT-3'
Protein context (NP_036192.2, residues 37-57): GKSSVLESLV[Gly47Ala]RDLLPRGTGI